The following is an entry in ClinVar:

NM_004168.4(SDHA):c.303T>G (p.Val101=)

Gene: SDHA (succinate dehydrogenase complex flavoprotein subunit A; plus strand). Cytogenetic location: 5p15.33.
Variant type: single nucleotide variant.
Coding change: c.303T>G on transcript NM_004168.4 (MANE Select); coding-DNA position 303, T replaced by G.
Protein change: p.Val101=; no amino-acid change (valine 101 retained).
Molecular consequence: synonymous variant.
Genome position (GRCh38, 1-based): chr5:224,512, T>G. VCF-style: chr5-224512-T-G. GRCh37 (hg19) VCF-style: chr5-224627-T-G.
Other names: c.303T>G, p.Val101= (NM_001294332.2, NM_001330758.2); c.303T>G (NM_004168.2).
Identifiers: ClinVar variation 1124617 (VCV001124617.12), dbSNP rs2126543357, ClinGen allele CA442690934.

ClinVar aggregate classification (germline): Benign/Likely benign. Review status: criteria provided, multiple submitters, no conflicts (2 of 4 stars). 3 submissions from 3 submitters: Benign (1); Likely benign (2). Last evaluated 2025-02-28.

Conditions:
Pheochromocytoma/paraganglioma syndrome 5. Also called: Paragangliomas 5; SDHA-Related Hereditary Paraganglioma-Pheochromocytoma Syndrome. Identifiers: Orphanet 29072, MedGen C3279992, MONDO:0013602, OMIM 614165.
Mitochondrial complex II deficiency, nuclear type 1. Also called: SUCCINATE CoQ REDUCTASE DEFICIENCY. Identifiers: Orphanet 3208, MedGen C5700310, MONDO:0100294, OMIM 252011.
Hereditary cancer-predisposing syndrome. Also called: Tumor predisposition; Neoplastic Syndromes, Hereditary; Hereditary Cancer Syndrome; Hereditary neoplastic syndrome. Identifiers: Orphanet 140162, MedGen C0027672, MeSH D009386, MONDO:0015356.

Submissions (3):

Myriad Genetics, Inc.
Classification: Benign for Pheochromocytoma/paraganglioma syndrome 5. Last evaluated: 2025-02-28. Review status: criteria provided, single submitter. Criteria: Myriad Autosomal Dominant, Autosomal Recessive and X-Linked Classification Criteria (2023). Collection method: clinical testing. Allele origin: unknown.
Comment: This variant is considered benign. This variant is a silent/synonymous amino acid change and it is not expected to impact splicing.

Ambry Genetics
Classification: Likely benign for Hereditary cancer-predisposing syndrome. Last evaluated: 2023-05-05. Review status: criteria provided, single submitter. Criteria: Ambry Variant Classification Scheme 2023. Collection method: clinical testing. Allele origin: germline.

Labcorp Genetics (formerly Invitae), Labcorp
Classification: Likely benign for Pheochromocytoma/paraganglioma syndrome 5; Mitochondrial complex II deficiency, nuclear type 1. Last evaluated: 2022-10-17. Review status: criteria provided, single submitter. Criteria: Invitae Variant Classification Sherloc (09022015). Collection method: clinical testing. Allele origin: germline.